The following is an entry in ClinVar:

ClinVar aggregate classification (germline): Likely benign. Review status: criteria provided, multiple submitters, no conflicts (2 of 4 stars). 5 submissions from 5 submitters: Likely benign (4). 1 of the submissions does not count toward it. Last evaluated 2025-11-17.

Conditions:
Dyskeratosis congenita, autosomal dominant 2. Identifiers: MedGen C3151443, MONDO:0013521, OMIM 613989.
Idiopathic Pulmonary Fibrosis. Also called: Idiopathic fibrosing alveolitis, chronic form; idiopathic fibrosing alveolitis. Identifiers: Orphanet 2032, MedGen C1800706, MeSH D054990, MONDO:0800504.
Dyskeratosis congenita. Identifiers: Orphanet 1775, MedGen C0265965, MONDO:0015780.
TERT-related disorder. Also called: TERT-related condition; TERT-related disorders.

Allele frequency attached by ClinVar (database versions not stated): gnomAD exomes 0.00001 and 0.00003; ExAC 0.00006; gnomAD 0.00010 and 0.00011; TOPMed 0.00014; ESP Exome Variant Server 0.00016.
gnomAD v4.1: 37 of 1,550,744 alleles (0.0024%); highest among the groups gnomAD compares: African/African-American, 0.046%; no homozygotes.

Submissions (5):

Labcorp Genetics (formerly Invitae), Labcorp
Classification: Likely benign for Dyskeratosis congenita, autosomal dominant 2; Idiopathic Pulmonary Fibrosis. Last evaluated: 2025-11-17. Review status: criteria provided, single submitter. Criteria: Invitae Variant Classification Sherloc (09022015). Collection method: clinical testing. Allele origin: germline.

Ambry Genetics
Classification: Likely benign for Dyskeratosis congenita. Last evaluated: 2022-02-26. Review status: criteria provided, single submitter. Criteria: Ambry Variant Classification Scheme 2023. Collection method: clinical testing. Allele origin: germline.

Sema4
Classification: Likely benign for Dyskeratosis congenita. Last evaluated: 2021-10-14. Review status: criteria provided, single submitter. Criteria: Sema4 Curation Guidelines. Collection method: curation. Allele origin: germline.

Blueprint Genetics
Classification: Likely benign. Last evaluated: 2020-12-21. Review status: criteria provided, single submitter. Criteria: ACMG Guidelines, 2015. Collection method: clinical testing. Allele origin: germline.

PreventionGenetics, part of Exact Sciences
Classification: Likely benign for TERT-related condition. Last evaluated: 2019-08-22. Review status: no assertion criteria provided. Collection method: clinical testing. Allele origin: germline. Not counted in ClinVar's aggregate classification.
Comment: This variant is classified as likely benign based on ACMG/AMP sequence variant interpretation guidelines (Richards et al. 2015 PMID: 25741868, with internal and published modifications).

NM_198253.3(TERT):c.1983G>A (p.Leu661=)

Gene: TERT (telomerase reverse transcriptase; minus strand). Cytogenetic location: 5p15.33.
Variant type: single nucleotide variant.
Coding change: c.1983G>A on transcript NM_198253.3 (MANE Select); coding-DNA position 1983, G replaced by A.
Protein change: p.Leu661=; no amino-acid change (leucine 661 retained).
Molecular consequence: synonymous variant. On other transcripts: non-coding transcript variant (2).
Genome position (GRCh38, 1-based): chr5:1,279,438, C>T on the plus strand (G>A on the coding strand, the complement: TERT is on the minus strand). VCF-style: chr5-1279438-C-T. GRCh37 (hg19) VCF-style: chr5-1279553-C-T.
Other names: c.1983G>A, p.Leu661= (NM_001193376.3).
Identifiers: ClinVar variation 539228 (VCV000539228.18), dbSNP rs375454175, ClinGen allele CA3184693.